The following is an entry in ClinVar:

NM_004415.4(DSP):c.1159T>C (p.Ser387Pro)

Gene: DSP (desmoplakin; plus strand). Cytogenetic location: 6p24.3.
Variant type: single nucleotide variant.
Coding change: c.1159T>C on transcript NM_004415.4 (MANE Select); coding-DNA position 1159, T replaced by C.
Protein change: p.Ser387Pro; replaces serine 387 with proline.
Molecular consequence: missense variant.
Genome position (GRCh38, 1-based): chr6:7,567,799, T>C. VCF-style: chr6-7567799-T-C. GRCh37 (hg19) VCF-style: chr6-7568032-T-C.
Other names: c.1159T>C, p.Ser387Pro (NM_001008844.3, NM_001319034.2, NM_001406591.1); short protein forms S387P.
Identifiers: ClinVar variation 3070266 (VCV003070266.1), dbSNP rs2533881553, ClinGen allele CA362675976.

ClinVar aggregate classification (germline): Uncertain significance (1 of 4 stars; one submission).

Conditions:
Arrhythmogenic cardiomyopathy with wooly hair and keratoderma. Also called: Carvajal syndrome; PALMOPLANTAR KERATODERMA WITH LEFT VENTRICULAR CARDIOMYOPATHY AND WOOLLY HAIR; Dilated cardiomyopathy with woolly hair and keratoderma; Arrhythmogenic cardiomyopathy with woolly hair and keratoderma. Identifiers: Orphanet 65282, MedGen C1854063, MONDO:0011581, OMIM 605676.

Submission:

All of Us Research Program, National Institutes of Health
Classification: Uncertain significance for Arrhythmogenic cardiomyopathy with wooly hair and keratoderma. Last evaluated: 2023-07-10. Review status: criteria provided, single submitter. Criteria: ACMG Guidelines, 2015. Collection method: clinical testing. Allele origin: germline. Inheritance: Autosomal dominant inheritance. Observed: 1 variant allele, 1 heterozygote.
Comment: This missense variant replaces serine with proline at codon 387 of the DSP protein. Computational prediction suggests that this variant may not impact protein structure and function (internally defined REVEL score threshold <= 0.5, PMID: 27666373). To our knowledge, functional studies have not been reported for this variant. This variant has not been reported in individuals affected with DSP-related disorders in the literature. This variant has not been identified in the general population by the Genome Aggregation Database (gnomAD). The available evidence is insufficient to determine the role of this variant in disease conclusively. Therefore, this variant is classified as a Variant of Uncertain Significance.

This study involves interpretation of variants in research participants for the purpose of population health screening. Participant phenotype was not available at the time of variant classification. Additional details can be found in publication PMID: 35346344, PMCID: PMC8962531